The following is an entry in ClinVar:

ClinVar aggregate classification (germline): Conflicting classifications of pathogenicity. Review status: criteria provided, conflicting classifications (1 of 4 stars). 4 submissions from 4 submitters: Uncertain significance (2); Likely benign (2). Last evaluated 2025-02-21.

Conditions:
Familial thoracic aortic aneurysm and aortic dissection (TAAD). Also called: Thoracic aortic aneurysms and dissections. Identifiers: Orphanet 91387, MedGen C4707243, MONDO:0019625.
Hereditary cancer-predisposing syndrome. Also called: Neoplastic Syndromes, Hereditary; Hereditary Cancer Syndrome; Tumor predisposition; Hereditary neoplastic syndrome. Identifiers: Orphanet 140162, MedGen C0027672, MeSH D009386, MONDO:0015356.
Juvenile polyposis/hereditary hemorrhagic telangiectasia syndrome (JPHT). Also called: JP/HHT SYNDROME; JUVENILE POLYPOSIS WITH HEREDITARY HEMORRHAGIC TELANGIECTASIA; POLYPOSIS, GENERALIZED JUVENILE, WITH PULMONARY ARTERIOVENOUS MALFORMATION; TELANGIECTASIA, HEREDITARY HEMORRHAGIC, WITH JUVENILE POLYPOSIS COLI; Juvenile Polyposis Syndrome / Hereditary Hemorrhagic Telangiectasia (JPS/HHT). Identifiers: Orphanet 2929, MedGen C1832942, MONDO:0008278, OMIM 175050.
SMAD4-related disorder. Also called: SMAD4-related condition; SMAD4-Related disorders.

Submissions (4):

PreventionGenetics, part of Exact Sciences
Classification: Likely benign for SMAD4-related condition. Last evaluated: 2025-02-21. Review status: criteria provided, single submitter. Criteria: ACMG Guidelines, 2015. Collection method: clinical testing. Allele origin: germline.
Comment: This variant is classified as likely benign based on ACMG/AMP sequence variant interpretation guidelines (Richards et al. 2015 PMID: 25741868, with internal and published modifications).

Department of Pathology and Laboratory Medicine, Sinai Health System
Classification: Likely benign for juvenile polyposis/hereditary hemorrhagic telangiectasia syndrome. Last evaluated: 2021-02-05. Review status: criteria provided, single submitter. Criteria: ACMG Guidelines, 2015. Collection method: clinical testing. Allele origin: germline.

CHEO Genetics Diagnostic Laboratory, Children's Hospital of Eastern Ontario
Classification: Uncertain significance for Familial thoracic aortic aneurysm and aortic dissection. Last evaluated: 2020-11-30. Review status: criteria provided, single submitter. Criteria: ACMG Guidelines, 2015. Collection method: clinical testing. Allele origin: germline.

Ambry Genetics
Classification: Uncertain significance for Hereditary cancer-predisposing syndrome; Familial thoracic aortic aneurysm and aortic dissection. Last evaluated: 2015-12-07. Review status: criteria provided, single submitter. Criteria: Ambry Variant Classification Scheme 2023. Collection method: clinical testing. Allele origin: germline.
Comment: The c.250-10A>T intronic alteration consists of a A to T substitution 10 nucleotides before coding exon 2 in the SMAD4 gene. Based on insufficient or conflicting evidence, the clinical significance of this alteration remains unclear.

NM_005359.6(SMAD4):c.250-10A>T

Gene: SMAD4 (SMAD family member 4; plus strand). Cytogenetic location: 18q21.2.
Variant type: single nucleotide variant.
Coding change: c.250-10A>T on transcript NM_005359.6 (MANE Select); 10 bases into the intron before coding-DNA position 250, A replaced by T.
Molecular consequence: intron variant.
Genome position (GRCh38, 1-based): chr18:51,048,676, A>T. VCF-style: chr18-51048676-A-T. GRCh37 (hg19) VCF-style: chr18-48575046-A-T.
Identifiers: ClinVar variation 1329280 (VCV001329280.5), dbSNP rs1599182364, ClinGen allele CA2573054677.